The following is an entry in ClinVar:

NM_004415.4(DSP):c.939C>T (p.Ser313=)

Gene: DSP (desmoplakin; plus strand). Cytogenetic location: 6p24.3.
Variant type: single nucleotide variant.
Coding change: c.939C>T on transcript NM_004415.4 (MANE Select); coding-DNA position 939, C replaced by T.
Protein change: p.Ser313=; no amino-acid change (serine 313 retained).
Molecular consequence: synonymous variant.
Genome position (GRCh38, 1-based): chr6:7,565,520, C>T. VCF-style: chr6-7565520-C-T. GRCh37 (hg19) VCF-style: chr6-7565753-C-T.
Other names: c.939C>T, p.Ser313= (NM_001008844.3, NM_001319034.2); c.939C>T (NM_004415.3).
Identifiers: ClinVar variation 228653 (VCV000228653.53), dbSNP rs766580649, ClinGen allele CA053203.

ClinVar aggregate classification (germline): Conflicting classifications of pathogenicity. Review status: criteria provided, conflicting classifications (1 of 4 stars). 9 submissions from 9 submitters: Uncertain significance (3); Likely benign (4). 2 of the submissions do not count toward it. Last evaluated 2026-01-05.

Conditions:
DSP-related disorder. Also called: DSP-related condition; DSP-related disorders.
Cardiovascular phenotype. Identifiers: MedGen CN230736.
Cardiomyopathy (CMYO). Also called: Cardiomyopathies. Identifiers: Orphanet 167848, MedGen C0878544, MONDO:0004994, HP:0001638. Inheritance: Various modes of inheritance.
Arrhythmogenic cardiomyopathy with wooly hair and keratoderma. Also called: Carvajal syndrome; PALMOPLANTAR KERATODERMA WITH LEFT VENTRICULAR CARDIOMYOPATHY AND WOOLLY HAIR; Arrhythmogenic cardiomyopathy with woolly hair and keratoderma; Dilated cardiomyopathy with woolly hair and keratoderma. Identifiers: Orphanet 65282, MedGen C1854063, MONDO:0011581, OMIM 605676.
Arrhythmogenic right ventricular dysplasia 8 (ARVD8). Also called: Arrhythmogenic Right Ventricular Dysplasia/Cardiomyopathy 8; ARRHYTHMOGENIC RIGHT VENTRICULAR DYSPLASIA, FAMILIAL, 8; ARRHYTHMOGENIC RIGHT VENTRICULAR CARDIOMYOPATHY 8. Identifiers: MedGen C1843896, MONDO:0011831, OMIM 607450.

Allele frequency attached by ClinVar (database versions not stated): gnomAD 0.00004; gnomAD exomes 0.00004 and 0.00008; TOPMed 0.00004; ExAC 0.00014.
gnomAD v4.1: 65 of 1,613,818 alleles (0.004%); highest among the groups gnomAD compares: Middle Eastern, 0.12%; 1 homozygote.

Submissions (9):

Labcorp Genetics (formerly Invitae), Labcorp
Classification: Uncertain significance for Arrhythmogenic cardiomyopathy with wooly hair and keratoderma; Arrhythmogenic right ventricular dysplasia 8. Last evaluated: 2026-01-05. Review status: criteria provided, single submitter. Criteria: Invitae Variant Classification Sherloc (09022015). Collection method: clinical testing. Allele origin: germline.
Comment: This sequence change affects codon 313 of the DSP mRNA. It is a 'silent' change, meaning that it does not change the encoded amino acid sequence of the DSP protein. It affects a nucleotide within the consensus splice site. This variant is present in population databases (rs766580649, gnomAD 0.02%). This variant has not been reported in the literature in individuals affected with DSP-related conditions. ClinVar contains an entry for this variant (Variation ID: 228653). Algorithms developed to predict the effect of sequence changes on RNA splicing suggest that this variant is not likely to affect RNA splicing. In summary, the available evidence is currently insufficient to determine the role of this variant in disease. Therefore, it has been classified as a Variant of Uncertain Significance.

CeGaT Center for Human Genetics Tuebingen
Classification: Likely benign. Last evaluated: 2025-12-01. Review status: criteria provided, single submitter. Criteria: CeGaT Center For Human Genetics Tuebingen Variant Classification Criteria Version 2. Collection method: clinical testing. Allele origin: germline. Affected: yes. Observed: 4 variant alleles.
Comment: DSP: BP4, BP7

Ambry Genetics
Classification: Uncertain significance for Cardiovascular phenotype. Last evaluated: 2025-09-18. Review status: criteria provided, single submitter. Criteria: Ambry Variant Classification Scheme 2023. Collection method: clinical testing. Allele origin: germline.
Comment: The c.939C>T variant (also known as p.S313S), located in coding exon 7 of the DSP gene, results from a C to T substitution at nucleotide position 939. This nucleotide substitution does not change the serine at codon 313. However, this change occurs in the last base pair of coding exon 7, which makes it likely to have some effect on normal mRNA splicing. This nucleotide position is poorly conserved in available vertebrate species. In silico splice site analysis predicts that this alteration will not have any significant effect on splicing. Since supporting evidence is limited at this time, the clinical significance of this alteration remains unclear.

PreventionGenetics, part of Exact Sciences
Classification: Likely benign for DSP-related condition. Last evaluated: 2025-08-06. Review status: criteria provided, single submitter. Criteria: ACMG Guidelines, 2015. Collection method: clinical testing. Allele origin: germline.
Comment: This variant is classified as likely benign based on ACMG/AMP sequence variant interpretation guidelines (Richards et al. 2015 PMID: 25741868, with internal and published modifications).

Blueprint Genetics
Classification: Likely benign. Last evaluated: 2024-08-20. Review status: criteria provided, single submitter. Criteria: ACMG Guidelines, 2015. Collection method: clinical testing. Allele origin: germline.

Color Diagnostics, LLC DBA Color Health
Classification: Likely benign for Cardiomyopathy. Last evaluated: 2018-10-22. Review status: criteria provided, single submitter. Criteria: ACMG Guidelines, 2015. Collection method: clinical testing. Allele origin: germline.

Laboratory for Molecular Medicine, Mass General Brigham Personalized Medicine
Classification: Uncertain significance. Last evaluated: 2015-12-03. Review status: criteria provided, single submitter. Criteria: LMM Criteria. Collection method: clinical testing. Allele origin: germline. Observed: 1 variant allele.
Comment: Variant classified as Uncertain Significance - Favor Benign. The p.Ser313Ser var iant in DSP has not been previously reported in individuals with cardiomyopathy, but has been identified in 6/16506 South Asian chromosomes by the Exome Aggrega tion Consortium (ExAC; dbSNP rs766580649). This variant is located in the last base of the exon, which is part of the 5? splice region. Computational tools do not suggest an impact to splicing. However, this information is not predictive enough to rule out pathogenicity. In summary, whil e the clinical significance of the p.Ser313Ser variant is uncertain, these data suggest that it is more likely to be benign.

Clinical Genetics, Academic Medical Center
Classification: Benign. Review status: no assertion criteria provided. Collection method: clinical testing. Allele origin: germline. Affected: yes. Study: VKGL Data-share Consensus. Not counted in ClinVar's aggregate classification.

Diagnostic Laboratory, Department of Genetics, University Medical Center Groningen
Classification: Likely benign. Review status: no assertion criteria provided. Collection method: clinical testing. Allele origin: germline. Affected: yes. Study: VKGL Data-share Consensus. Not counted in ClinVar's aggregate classification.